The following is an entry in ClinVar:

ClinVar aggregate classification (germline): Uncertain significance (1 of 4 stars; one submission).

Conditions:
Inborn genetic diseases. Identifiers: MedGen C0950123, MeSH D030342.

gnomAD v4.1: 2 of 1,613,966 alleles (0.00012%); highest among the groups gnomAD compares: Non-Finnish European, 0.00017%; no homozygotes.

Submission:

Ambry Genetics
Classification: Uncertain significance for Inborn genetic diseases. Last evaluated: 2021-03-08. Review status: criteria provided, single submitter. Criteria: Ambry Variant Classification Scheme 2023. Collection method: clinical testing. Allele origin: germline.
Comment: The p.G388V variant (also known as c.1163G>T), located in coding exon 4 of the PRX gene, results from a G to T substitution at nucleotide position 1163. The glycine at codon 388 is replaced by valine, an amino acid with dissimilar properties. This amino acid position is well conserved in available vertebrate species; however, valine is the reference amino acid in other vertebrate species. In addition, this alteration is predicted to be tolerated by in silico analysis. Since supporting evidence is limited at this time, the clinical significance of this alteration remains unclear.

NM_181882.3(PRX):c.1163G>T (p.Gly388Val)

Gene: PRX (periaxin; minus strand). Cytogenetic location: 19q13.2.
Variant type: single nucleotide variant.
Coding change: c.1163G>T on transcript NM_181882.3 (MANE Select); coding-DNA position 1163, G replaced by T.
Protein change: p.Gly388Val; replaces glycine 388 with valine.
Molecular consequence: missense variant. On other transcripts: 3 prime UTR variant (1).
Genome position (GRCh38, 1-based): chr19:40,397,189, C>A on the plus strand (G>T on the coding strand, the complement: PRX is on the minus strand). VCF-style: chr19-40397189-C-A. GRCh37 (hg19) VCF-style: chr19-40903096-C-A.
Other names: c.1448G>T, p.Gly483Val (NM_001411127.1); c.*1368G>T (NM_020956.2); short protein forms G483V, G388V.
Identifiers: ClinVar variation 1737571 (VCV001737571.2), dbSNP rs1171052407, ClinGen allele CA405898950.
Genomic context (GRCh38, chr19:40,397,189, plus strand): 5'-GGAGCAGCGGGCCGGGGCTCCAAGAGGGAAAGCCCAAAGGTGGGCATTCGAAGTCTGGGA[C>A]CTTTCACCCTGGCCTCAGGGCTGACCTTGGCTACCTTGGCCTCAGCAACTTCCTTTGCTC-3'
Protein context (NP_870998.2, residues 378-398): AKVSPEARVK[Gly388Val]PRLRMPTFGL